The following is an entry in ClinVar:

NM_001267550.2(TTN):c.96525C>T (p.Tyr32175=)

Genes: TTN-AS1 (TTN antisense RNA 1; plus strand), TTN (titin; minus strand), LOC126806421 (CDK7 strongly-dependent group 2 enhancer GRCh37_chr2:179407630-179408829; plus strand). Cytogenetic location: 2q31.2.
Variant type: single nucleotide variant.
Coding change: c.96525C>T on transcript NM_001267550.2 (MANE Select); coding-DNA position 96525, C replaced by T.
Protein change: p.Tyr32175=; no amino-acid change (tyrosine 32175 retained).
Molecular consequence: synonymous variant.
Genome position (GRCh38, 1-based): chr2:178,543,448, G>A on the plus strand (C>T on the coding strand, the complement: TTN is on the minus strand). VCF-style: chr2-178543448-G-A. GRCh37 (hg19) VCF-style: chr2-179408175-G-A.
Other names: c.91602C>T, p.Tyr30534= (NM_001256850.1); c.69330C>T, p.Tyr23110= (NM_003319.4); c.88821C>T, p.Tyr29607= (NM_133378.4); c.69705C>T, p.Tyr23235= (NM_133432.3); c.69906C>T, p.Tyr23302= (NM_133437.4).
Identifiers: ClinVar variation 513325 (VCV000513325.12), dbSNP rs778126823, ClinGen allele CA1986740.
Genomic context (GRCh38, chr2:178,543,448, plus strand): 5'-ATCAGATGTTTCACAAGGTTCTCCAATGCCATAAATATTTTCTGGCAGCACTCTGAAATA[G>A]TACATGGTTCCTTCTACAAGTCCAGAAATTCTGTAAAGTGTCTTGCTGCATTTGGTAGTT-3'
Protein context (NP_001254479.2, residues 32165-32185): RISGLVEGTM[Tyr32175=]YFRVLPENIY

ClinVar aggregate classification (germline): Likely benign. Review status: criteria provided, multiple submitters, no conflicts (2 of 4 stars). 3 submissions from 3 submitters: Likely benign (3). Last evaluated 2026-01-27.

Conditions:
Cardiovascular phenotype. Identifiers: MedGen CN230736.
Autosomal recessive limb-girdle muscular dystrophy type 2J (LGMDR10). Also called: MUSCULAR DYSTROPHY, LIMB-GIRDLE, AUTOSOMAL RECESSIVE 10; Limb-girdle muscular dystrophy, type 2J. Identifiers: Orphanet 140922, MedGen C1837342, MONDO:0012127, OMIM 608807.
Dilated cardiomyopathy 1G (CMD1G). Identifiers: Orphanet 154, MedGen C1858763, MONDO:0011400, OMIM 604145.

Allele frequency attached by ClinVar (database versions not stated): gnomAD exomes 0.00002 and 0.00004; ExAC 0.00003; gnomAD 0.00003; TOPMed 0.00003.
gnomAD v4.1: 39 of 1,613,678 alleles (0.0024%); highest among the groups gnomAD compares: Middle Eastern, 0.033%; no homozygotes.

Submissions (3):

Labcorp Genetics (formerly Invitae), Labcorp
Classification: Likely benign for Dilated cardiomyopathy 1G; Autosomal recessive limb-girdle muscular dystrophy type 2J. Last evaluated: 2026-01-27. Review status: criteria provided, single submitter. Criteria: Invitae Variant Classification Sherloc (09022015). Collection method: clinical testing. Allele origin: germline.

Ambry Genetics
Classification: Likely benign for Cardiovascular phenotype. Last evaluated: 2020-01-26. Review status: criteria provided, single submitter. Criteria: Ambry Variant Classification Scheme 2023. Collection method: clinical testing. Allele origin: germline.

GeneDx
Classification: Likely benign. Last evaluated: 2017-11-08. Review status: criteria provided, single submitter. Criteria: GeneDx Variant Classification (06012015). Collection method: clinical testing. Allele origin: germline. Affected: yes.
Comment: This variant is considered likely benign or benign based on one or more of the following criteria: it is a conservative change, it occurs at a poorly conserved position in the protein, it is predicted to be benign by multiple in silico algorithms, and/or has population frequency not consistent with disease.